The following is an entry in ClinVar:

NM_003386.3(ZAN):c.6431C>T (p.Ala2144Val)

Gene: ZAN (zonadhesin; plus strand). Cytogenetic location: 7q22.1.
Variant type: single nucleotide variant.
Coding change: c.6431C>T on transcript NM_003386.3 (MANE Select); coding-DNA position 6431, C replaced by T.
Protein change: p.Ala2144Val; replaces alanine 2144 with valine.
Molecular consequence: missense variant. On other transcripts: non-coding transcript variant (3).
Genome position (GRCh38, 1-based): chr7:100,779,559, C>T. VCF-style: chr7-100779559-C-T. GRCh37 (hg19) VCF-style: chr7-100377181-C-T.
Other names: c.6431C>T, p.Ala2144Val (NM_173059.3); short protein forms A2144V.
Identifiers: ClinVar variation 2657772 (VCV002657772.24), dbSNP rs202133671, ClinGen allele CA4391678.
Genomic context (GRCh38, chr7:100,779,559, plus strand): 5'-ACCCGAGTGGAAACTGCAGGGCGGCCGACCTCCGCAGGGCGCGGGAAAAGTGCGAGGCAG[C>T]GCTCCGGGCTCCTGTGTGGGCCCAGTGCGCCTCCCGCATAGACCTCACGCCCTTCCTGGT-3'
Protein context (NP_003377.2, residues 2134-2154): LRRAREKCEA[Ala2144Val]LRAPVWAQCA

ClinVar aggregate classification (germline): Likely benign (1 of 4 stars; one submission).

Allele frequency attached by ClinVar (database versions not stated): 1000 Genomes Project 30x 0.00109; 1000 Genomes Project 0.00140; TOPMed 0.00422; gnomAD 0.00478; ESP Exome Variant Server 0.00596.
gnomAD v4.1: 10,180 of 1,610,852 alleles (0.63%); highest among the groups gnomAD compares: Non-Finnish European, 0.8%; 53 homozygotes.

Submission:

CeGaT Center for Human Genetics Tuebingen
Classification: Likely benign. Last evaluated: 2023-01-01. Review status: criteria provided, single submitter. Criteria: CeGaT Center For Human Genetics Tuebingen Variant Classification Criteria Version 2. Collection method: clinical testing. Allele origin: germline. Affected: yes. Observed: 1 variant allele.
Comment: ZAN: BP4, BS2